The following is an entry in ClinVar:

ClinVar aggregate classification (germline): Pathogenic. Review status: criteria provided, multiple submitters, no conflicts (2 of 4 stars). 6 submissions from 6 submitters: Pathogenic (5). 1 of the submissions does not count toward it. Last evaluated 2025-12-01.

Conditions:
Fanconi anemia (FA). Also called: Fanconi's anemia. Identifiers: Orphanet 84, MedGen C0015625, MeSH D005199, MONDO:0019391.
Fanconi anemia complementation group A (FANCA). Also called: FANCA-Related Fanconi Anemia; Fanconi anemia, group A. Identifiers: Orphanet 84, MedGen C3469521, MONDO:0009215, OMIM 227650.

Submissions (6):

Natera, Inc.
Classification: Pathogenic for Fanconi anemia. Last evaluated: 2025-12-01. Review status: criteria provided, single submitter. Criteria: Natera Variant Classification Schema (03/2026). Collection method: clinical testing. Allele origin: germline.
Comment: The c.2839dupT variant in FANCA is a frameshift variant predicted to shift the reading frame beginning at codon 947 and leads to a stop codon 4 codons downstream. This variant is expected to result in nonsense mediated decay, truncation, or a dysfunctional protein product. This variant is rare in the general population with a frequency below the threshold expected for the associated phenotype(s). This variant has been observed in one or more individuals affected with the associated recessive disease, as either homozygous or compound heterozygous with a second variant (PMID: 31586946). Given the available evidence, this variant is classified as Pathogenic.

Labcorp Genetics (formerly Invitae), Labcorp
Classification: Pathogenic for Fanconi anemia. Last evaluated: 2025-01-12. Review status: criteria provided, single submitter. Criteria: Invitae Variant Classification Sherloc (09022015). Collection method: clinical testing. Allele origin: germline.
Comment: This sequence change creates a premature translational stop signal (p.Ser947Phefs*4) in the FANCA gene. It is expected to result in an absent or disrupted protein product. Loss-of-function variants in FANCA are known to be pathogenic (PMID: 19367192). This variant is present in population databases (rs756367276, gnomAD 0.003%). This variant has not been reported in the literature in individuals affected with FANCA-related conditions. ClinVar contains an entry for this variant (Variation ID: 188383). For these reasons, this variant has been classified as Pathogenic.

Fulgent Genetics
Classification: Pathogenic for Fanconi anemia complementation group A. Last evaluated: 2024-06-21. Review status: criteria provided, single submitter. Criteria: ACMG Guidelines, 2015. Collection method: clinical testing. Allele origin: germline.

Baylor Genetics
Classification: Pathogenic for Fanconi anemia complementation group A. Last evaluated: 2024-01-29. Review status: criteria provided, single submitter. Criteria: ACMG Guidelines, 2015. Collection method: clinical testing. Allele origin: unknown.

Sema4
Classification: Pathogenic for Fanconi anemia. Last evaluated: 2021-08-27. Review status: criteria provided, single submitter. Criteria: Sema4 Curation Guidelines. Collection method: curation. Allele origin: germline.
Comment: The FANCA c.2839dupT (p.S947Ffs*4) variant has been reported as compound heterozygous in at least three individuals with Fanconi anemia (PMID: 29098742). This variant causes a frameshift at amino acid 947 that results in premature termination 4 amino acids downstream. At this location, this is predicted to cause nonsense-mediated decay and result in an absent protein (loss of function). This variant was observed in 2/251484 chromosomes in the Genome Aggregation Database (PMID: 32461654). This variant has been reported in ClinVar (Variation ID: 188383). Based on the current evidence available, this variant is interpreted as pathogenic.

Department of Hematology, University of Health Sciences
Classification: Likely pathogenic for Fanconi anemia, complementation group A. Last evaluated: 2014-12-01. Review status: no assertion criteria provided. Collection method: research. Allele origin: inherited. Affected: yes. Observed: 1 variant allele. Not counted in ClinVar's aggregate classification.

Literature cited by the submitters: PubMed 31586946 (cited by Natera, Inc.); PubMed 19367192 (cited by Labcorp Genetics (formerly Invitae), Labcorp); PubMed 29098742 (cited by Sema4).

NM_000135.4(FANCA):c.2839dup (p.Ser947fs)

Gene: FANCA (FA complementation group A; minus strand). Cytogenetic location: 16q24.3.
Variant type: Duplication.
Coding change: c.2839dup on transcript NM_000135.4 (MANE Select); coding-DNA position 2839, one base duplicated (T; older notation c.2839dupT).
Protein change: p.Ser947fs; shifts the reading frame from serine 947.
Molecular consequence: frameshift variant.
Genome position (GRCh38, 1-based): chr16:89,761,962, A duplicated on the plus strand (T on the coding strand, the reverse complement: FANCA is on the minus strand); the first of 3 consecutive A bases (chr16:89,761,962-89,761,964); duplicating any one gives the same sequence. VCF-style (leftmost placement, unchanged base first): chr16-89761961-G-GA. GRCh37 (hg19) VCF-style: chr16-89828369-G-GA.
Other names: NM_000135.2(FANCA_i001):p.(Ser947Phefs*4); c.2839dupT (NM_000135.3); c.2839dup (LRG_495t1); c.2839dup, p.Ser947fs (NM_001286167.3); short protein forms S947fs.
Identifiers: ClinVar variation 188383 (VCV000188383.13), dbSNP rs756367276, ClinGen allele CA334762.